The following is an entry in ClinVar:

NM_000059.4(BRCA2):c.5198_5199dup (p.Glu1734fs)

Gene: BRCA2 (BRCA2 DNA repair associated; plus strand). Cytogenetic location: 13q13.1.
Variant type: Duplication.
Coding change: c.5198_5199dup on transcript NM_000059.4 (MANE Select); coding-DNA positions 5198 to 5199, 2 bases duplicated (CC; older notation c.5198_5199dupCC).
Protein change: p.Glu1734fs; shifts the reading frame from glutamic acid 1734.
Molecular consequence: frameshift variant.
Genome position (GRCh38, 1-based): chr13:32,339,553-32,339,554, CC duplicated. VCF-style (leftmost placement, unchanged base first): chr13-32339552-T-TCC. GRCh37 (hg19) VCF-style: chr13-32913689-T-TCC.
Other names: 5426_5427insTC; short protein forms E1734fs.
Identifiers: ClinVar variation 266856 (VCV000266856.5), dbSNP rs886040573, ClinGen allele CA10589294.

ClinVar aggregate classification (germline): Pathogenic. Review status: reviewed by expert panel (3 of 4 stars). 2 submissions from 2 submitters: Pathogenic (1). 1 of the submissions does not count toward it. Last evaluated 2016-10-18.

Conditions:
Breast-ovarian cancer, familial, susceptibility to, 2 (BROVCA2). Also called: BRCA2 Hereditary Breast and Ovarian Cancer. Identifiers: Orphanet 145, MedGen C2675520, MONDO:0012933, OMIM 612555. Disease mechanism: loss of function.

Submissions (2):

Evidence-based Network for the Interpretation of Germline Mutant Alleles (ENIGMA)
Classification: Pathogenic for Breast-ovarian cancer, familial, susceptibility to, 2. Last evaluated: 2016-10-18. Review status: reviewed by expert panel. Criteria: ENIGMA BRCA1/2 Classification Criteria (2015). Collection method: curation. Allele origin: germline.
Comment: Variant allele predicted to encode a truncated non-functional protein.

Consortium of Investigators of Modifiers of BRCA1/2 (CIMBA), c/o University of Cambridge
Classification: Pathogenic for Breast-ovarian cancer, familial, susceptibility to, 2. Last evaluated: 2015-10-02. Review status: criteria provided, single submitter. Criteria: CIMBA Mutation Classification guidelines May 2016. Collection method: clinical testing. Allele origin: germline. Not counted in ClinVar's aggregate classification.